The following is an entry in ClinVar:

ClinVar aggregate classification (germline): Uncertain significance. Review status: criteria provided, multiple submitters, no conflicts (2 of 4 stars). 2 submissions from 2 submitters: Uncertain significance (2). Last evaluated 2024-07-01.

Conditions:
Inborn genetic diseases. Identifiers: MedGen C0950123, MeSH D030342.

Allele frequency attached by ClinVar (database versions not stated): TOPMed 0.00002; gnomAD exomes 0.00004 and 0.00008; ExAC 0.00008; gnomAD 0.00009 and 0.00010.
gnomAD v4.1: 79 of 1,612,990 alleles (0.0049%); highest among the groups gnomAD compares: African/African-American, 0.0053%; 1 homozygote.

Submissions (2):

Labcorp Genetics (formerly Invitae), Labcorp
Classification: Uncertain significance. Last evaluated: 2024-07-01. Review status: criteria provided, single submitter. Criteria: Invitae Variant Classification Sherloc (09022015). Collection method: clinical testing. Allele origin: germline.
Comment: This sequence change replaces arginine, which is basic and polar, with tryptophan, which is neutral and slightly polar, at codon 859 of the AP3B2 protein (p.Arg859Trp). This variant is present in population databases (rs201234574, gnomAD 0.07%). This variant has not been reported in the literature in individuals affected with AP3B2-related conditions. ClinVar contains an entry for this variant (Variation ID: 1381315). An algorithm developed to predict the effect of missense changes on protein structure and function (PolyPhen-2) suggests that this variant is likely to be disruptive. Algorithms developed to predict the effect of sequence changes on RNA splicing suggest that this variant may create or strengthen a splice site. In summary, the available evidence is currently insufficient to determine the role of this variant in disease. Therefore, it has been classified as a Variant of Uncertain Significance.

Ambry Genetics
Classification: Uncertain significance for Inborn genetic diseases. Last evaluated: 2024-06-26. Review status: criteria provided, single submitter. Criteria: Ambry Variant Classification Scheme 2023. Collection method: clinical testing. Allele origin: germline.

NM_001278512.2(AP3B2):c.2632C>T (p.Arg878Trp)

Genes: AP3B2 (adaptor related protein complex 3 subunit beta 2; minus strand), CPEB1-AS1 (CPEB1 antisense RNA 1; plus strand). Cytogenetic location: 15q25.2.
Variant type: single nucleotide variant.
Coding change: c.2632C>T on transcript NM_001278512.2 (MANE Select); coding-DNA position 2632, C replaced by T.
Protein change: p.Arg878Trp; replaces arginine 878 with tryptophan.
Molecular consequence: missense variant.
Genome position (GRCh38, 1-based): chr15:82,662,895, G>A on the plus strand (C>T on the coding strand, the complement: AP3B2 is on the minus strand). VCF-style: chr15-82662895-G-A. GRCh37 (hg19) VCF-style: chr15-83331647-G-A.
Other names: c.2479C>T, p.Arg827Trp (NM_001278511.2); c.2575C>T, p.Arg859Trp (NM_004644.5); c.2575C>T (NM_004644.3); short protein forms R827W, R878W, R859W.
Identifiers: ClinVar variation 1381315 (VCV001381315.6), dbSNP rs201234574, ClinGen allele CA7699829.